The following is an entry in ClinVar:

NM_001458.5(FLNC):c.3275C>A (p.Thr1092Lys)

Gene: FLNC (filamin C; plus strand). Cytogenetic location: 7q32.1.
Variant type: single nucleotide variant.
Coding change: c.3275C>A on transcript NM_001458.5 (MANE Select); coding-DNA position 3275, C replaced by A.
Protein change: p.Thr1092Lys; replaces threonine 1092 with lysine.
Molecular consequence: missense variant.
Genome position (GRCh38, 1-based): chr7:128,844,740, C>A. VCF-style: chr7-128844740-C-A. GRCh37 (hg19) VCF-style: chr7-128484794-C-A.
Other names: c.3275C>A, p.Thr1092Lys (NM_001127487.2); short protein forms T1092K.
Identifiers: ClinVar variation 1046508 (VCV001046508.11), dbSNP rs1405189650, ClinGen allele CA369196352.

ClinVar aggregate classification (germline): Uncertain significance. Review status: criteria provided, multiple submitters, no conflicts (2 of 4 stars). 2 submissions from 2 submitters: Uncertain significance (2). Last evaluated 2025-03-05.

Conditions:
Cardiovascular phenotype. Identifiers: MedGen CN230736.
Myofibrillar myopathy 5. Also called: Filaminopathy (type); FILAMINOPATHY, AUTOSOMAL DOMINANT. Identifiers: Orphanet 171445, MedGen C1836050, MONDO:0012289, OMIM 609524.
Distal myopathy with posterior leg and anterior hand involvement. Also called: WILLIAMS DISTAL MYOPATHY. Identifiers: Orphanet 63273, MedGen C3279722, MONDO:0013550, OMIM 614065.
Hypertrophic cardiomyopathy 26. Also called: Cardiomyopathy, familial hypertrophic, 26. Identifiers: Orphanet 75249, MedGen C4310749, MONDO:0014883, OMIM 617047.

Allele frequency attached by ClinVar (database versions not stated): gnomAD exomes below 0.00001.
gnomAD v4.1: 1 of 1,613,982 alleles (0.000062%); highest among the groups gnomAD compares: Non-Finnish European, 0.000085%; no homozygotes.

Submissions (2):

Labcorp Genetics (formerly Invitae), Labcorp
Classification: Uncertain significance for Distal myopathy with posterior leg and anterior hand involvement; Myofibrillar myopathy 5; Hypertrophic cardiomyopathy 26. Last evaluated: 2025-03-05. Review status: criteria provided, single submitter. Criteria: Invitae Variant Classification Sherloc (09022015). Collection method: clinical testing. Allele origin: germline.
Comment: This sequence change replaces threonine, which is neutral and polar, with lysine, which is basic and polar, at codon 1092 of the FLNC protein (p.Thr1092Lys). This variant is not present in population databases (gnomAD no frequency). This variant has not been reported in the literature in individuals affected with FLNC-related conditions. ClinVar contains an entry for this variant (Variation ID: 1046508). Invitae Evidence Modeling of protein sequence and biophysical properties (such as structural, functional, and spatial information, amino acid conservation, physicochemical variation, residue mobility, and thermodynamic stability) has been performed for this missense variant. However, the output from this modeling did not meet the statistical confidence thresholds required to predict the impact of this variant on FLNC protein function. In summary, the available evidence is currently insufficient to determine the role of this variant in disease. Therefore, it has been classified as a Variant of Uncertain Significance.

Ambry Genetics
Classification: Uncertain significance for Cardiovascular phenotype. Last evaluated: 2021-08-19. Review status: criteria provided, single submitter. Criteria: Ambry Variant Classification Scheme 2023. Collection method: clinical testing. Allele origin: germline.
Comment: The p.T1092K variant (also known as c.3275C>A), located in coding exon 21 of the FLNC gene, results from a C to A substitution at nucleotide position 3275. The threonine at codon 1092 is replaced by lysine, an amino acid with similar properties. This amino acid position is conserved. In addition, the in silico prediction for this alteration is inconclusive. Since supporting evidence is limited at this time, the clinical significance of this alteration remains unclear.